The following is an entry in ClinVar:

ClinVar aggregate classification (germline): Pathogenic/Likely pathogenic. Review status: criteria provided, multiple submitters, no conflicts (2 of 4 stars). 2 submissions from 2 submitters: Pathogenic (1); Likely pathogenic (1). Last evaluated 2021-04-30.

Conditions:
Eichsfeld type congenital muscular dystrophy (CMYO3). Also called: SELENON-related myopathy; Congenital myopathy 3 with rigid spine; MYOPATHY, SEPN1-RELATED; Rigid spine muscular dystrophy 1. Identifiers: MedGen C0410180, MONDO:0100100, OMIM 602771.

Allele frequency attached by ClinVar (database versions not stated): TOPMed below 0.00001; gnomAD 0.00001.

Submissions (2):

Breakthrough Genomics
Classification: Likely pathogenic for Eichsfeld type congenital muscular dystrophy. Last evaluated: 2021-04-30. Review status: criteria provided, single submitter. Criteria: ACMG Guidelines, 2015. Collection method: clinical testing. Allele origin: germline. Affected: yes.
Comment: This variant has not been previously reported in population or public databases or in the literature. However, two other substitution variants affecting this residue such as; c.2T>C; p.M1T and c.2T>G ;M1R has been previously reported as ‘pathogenic’ in the context of Eichsfeld type congenital muscular dystrophy. In addition, variants disrupting the initiator codon such as; p.Met1Val and c.2dup (represented as 1_2insT in the article) have been previously observed in multiple unrelated individuals of various ethnic origins affected with SELENON-related congenital myopathies and muscular dystrophy [PMID: 1219264, 23394784, 16779558]

CeGaT Center for Human Genetics Tuebingen
Classification: Pathogenic. Last evaluated: 2019-05-01. Review status: criteria provided, single submitter. Criteria: CeGaT Center For Human Genetics Tuebingen Variant Classification Criteria Version 2. Collection method: clinical testing. Allele origin: germline. Affected: yes. Observed: 2 variant alleles.

NM_206926.2(SELENON):c.2T>A (p.Met1Lys)

Gene: SELENON (selenoprotein N; plus strand). Cytogenetic location: 1p36.11.
Variant type: single nucleotide variant.
Coding change: c.2T>A on transcript NM_206926.2 (MANE Select); coding-DNA position 2, T replaced by A.
Protein change: p.Met1Lys; changes the start codon (methionine 1).
Molecular consequence: missense variant, initiator codon variant.
Genome position (GRCh38, 1-based): chr1:25,800,232, T>A. VCF-style: chr1-25800232-T-A. GRCh37 (hg19) VCF-style: chr1-26126723-T-A.
Other names: p.Met1?; c.2T>A, p.Met1Lys (NM_020451.3); short protein forms M1K.
Identifiers: ClinVar variation 1701096 (VCV001701096.33), dbSNP rs1174570887, ClinGen allele CA339105607.